The following is an entry in ClinVar:

NM_001017420.3(ESCO2):c.1353+1G>A

Gene: ESCO2 (establishment of sister chromatid cohesion N-acetyltransferase 2; plus strand). Cytogenetic location: 8p21.1.
Variant type: single nucleotide variant.
Coding change: c.1353+1G>A on transcript NM_001017420.3 (MANE Select); the canonical splice donor site of the intron after coding-DNA position 1353, G replaced by A.
Molecular consequence: splice donor variant.
Genome position (GRCh38, 1-based): chr8:27,792,053, G>A. VCF-style: chr8-27792053-G-A. GRCh37 (hg19) VCF-style: chr8-27649570-G-A.
Identifiers: ClinVar variation 2014697 (VCV002014697.7), dbSNP rs959080745, ClinGen allele CA370825152.

ClinVar aggregate classification (germline): Likely pathogenic. Review status: criteria provided, multiple submitters, no conflicts (2 of 4 stars). 2 submissions from 2 submitters: Likely pathogenic (2). Last evaluated 2023-05-30.

Allele frequency attached by ClinVar (database versions not stated): TOPMed 0.00001; gnomAD 0.00002.
gnomAD v4.1: 6 of 1,613,674 alleles (0.00037%); highest among the groups gnomAD compares: African/African-American, 0.0067%; no homozygotes.

Submissions (2):

Labcorp Genetics (formerly Invitae), Labcorp
Classification: Likely pathogenic. Last evaluated: 2023-05-30. Review status: criteria provided, single submitter. Criteria: Invitae Variant Classification Sherloc (09022015). Collection method: clinical testing. Allele origin: germline.
Comment: This sequence change affects a donor splice site in intron 8 of the ESCO2 gene. It is expected to disrupt RNA splicing. Variants that disrupt the donor or acceptor splice site typically lead to a loss of protein function (PMID: 16199547), and loss-of-function variants in ESCO2 are known to be pathogenic (PMID: 15821733, 16380922). Algorithms developed to predict the effect of sequence changes on RNA splicing suggest that this variant may disrupt the consensus splice site. This variant is present in population databases (no rsID available, gnomAD 0.007%). This variant has not been reported in the literature in individuals affected with ESCO2-related conditions. ClinVar contains an entry for this variant (Variation ID: 2014697). In summary, the currently available evidence indicates that the variant is pathogenic, but additional data are needed to prove that conclusively. Therefore, this variant has been classified as Likely Pathogenic.

Revvity Omics, Revvity
Classification: Likely pathogenic. Last evaluated: 2022-01-17. Review status: criteria provided, single submitter. Criteria: ACMG Guidelines, 2015. Collection method: clinical testing. Allele origin: germline.

Literature cited by the submitters: PubMed 16199547 (cited by Labcorp Genetics (formerly Invitae), Labcorp); PubMed 15821733 (cited by Labcorp Genetics (formerly Invitae), Labcorp); PubMed 16380922 (cited by Labcorp Genetics (formerly Invitae), Labcorp).